The following is an entry in ClinVar:

ClinVar aggregate classification (germline): Uncertain significance (1 of 4 stars; one submission).

Conditions:
Nemaline myopathy 2 (NEM2). Also called: Nemaline myopathy 2, autosomal recessive. Identifiers: MedGen C1850569, MONDO:0009725, OMIM 256030.

Submission:

Labcorp Genetics (formerly Invitae), Labcorp
Classification: Uncertain significance for Nemaline myopathy 2. Last evaluated: 2022-07-06. Review status: criteria provided, single submitter. Criteria: Invitae Variant Classification Sherloc (09022015). Collection method: clinical testing. Allele origin: germline.
Comment: This sequence change replaces arginine, which is basic and polar, with glycine, which is neutral and non-polar, at codon 2799 of the NEB protein (p.Arg2799Gly). This variant is present in population databases (no rsID available, gnomAD 0.0009%). This variant has not been reported in the literature in individuals affected with NEB-related conditions. ClinVar contains an entry for this variant (Variation ID: 1403049). Algorithms developed to predict the effect of missense changes on protein structure and function are either unavailable or do not agree on the potential impact of this missense change (SIFT: "Deleterious"; PolyPhen-2: "Not Available"; Align-GVGD: "Class C0"). Algorithms developed to predict the effect of sequence changes on RNA splicing suggest that this variant may create or strengthen a splice site. In summary, the available evidence is currently insufficient to determine the role of this variant in disease. Therefore, it has been classified as a Variant of Uncertain Significance.

NM_001164508.2(NEB):c.8395C>G (p.Arg2799Gly)

Gene: NEB (nebulin; minus strand). Cytogenetic location: 2q23.3.
Variant type: single nucleotide variant.
Coding change: c.8395C>G on transcript NM_001164508.2 (MANE Select); coding-DNA position 8395, C replaced by G.
Protein change: p.Arg2799Gly; replaces arginine 2799 with glycine.
Molecular consequence: missense variant.
Genome position (GRCh38, 1-based): chr2:151,640,645, G>C on the plus strand (C>G on the coding strand, the complement: NEB is on the minus strand). VCF-style: chr2-151640645-G-C. GRCh37 (hg19) VCF-style: chr2-152497159-G-C.
Other names: c.8395C>G, p.Arg2799Gly (NM_001164507.2, NM_001271208.2, NM_004543.5); short protein forms R2799G.
Identifiers: ClinVar variation 1403049 (VCV001403049.5), dbSNP rs779321118, ClinGen allele CA348811776.